The following is an entry in ClinVar:

ClinVar aggregate classification (germline): Uncertain significance (1 of 4 stars; one submission).

Conditions:
Nephronophthisis. Also called: Juvenile Nephronophthisis. Identifiers: Orphanet 655, MedGen C0687120, MONDO:0019005, HP:0000090.

Submission:

Labcorp Genetics (formerly Invitae), Labcorp
Classification: Uncertain significance for Nephronophthisis. Last evaluated: 2022-05-04. Review status: criteria provided, single submitter. Criteria: Invitae Variant Classification Sherloc (09022015). Collection method: clinical testing. Allele origin: germline.
Comment: This sequence change replaces glutamic acid, which is acidic and polar, with aspartic acid, which is acidic and polar, at codon 677 of the NPHP1 protein (p.Glu677Asp). This variant is not present in population databases (gnomAD no frequency). This variant has not been reported in the literature in individuals affected with NPHP1-related conditions. Algorithms developed to predict the effect of missense changes on protein structure and function are either unavailable or do not agree on the potential impact of this missense change (SIFT: "Tolerated"; PolyPhen-2: "Possibly Damaging"; Align-GVGD: "Class C0"). In summary, the available evidence is currently insufficient to determine the role of this variant in disease. Therefore, it has been classified as a Variant of Uncertain Significance.

NM_001128178.3(NPHP1):c.1863A>C (p.Glu621Asp)

Gene: NPHP1 (nephrocystin 1; minus strand). Cytogenetic location: 2q13.
Variant type: single nucleotide variant.
Coding change: c.1863A>C on transcript NM_001128178.3 (MANE Select); coding-DNA position 1863, A replaced by C.
Protein change: p.Glu621Asp; replaces glutamic acid 621 with aspartic acid.
Molecular consequence: missense variant. On other transcripts: 3 prime UTR variant (1).
Genome position (GRCh38, 1-based): chr2:110,123,962, T>G on the plus strand (A>C on the coding strand, the complement: NPHP1 is on the minus strand). VCF-style: chr2-110123962-T-G. GRCh37 (hg19) VCF-style: chr2-110881539-T-G.
Other names: c.2031A>C, p.Glu677Asp (NM_000272.5); c.1674A>C, p.Glu558Asp (NM_001128179.3); c.1860A>C, p.Glu620Asp (NM_001374256.1); c.*105A>C (NM_001374257.1); c.2028A>C, p.Glu676Asp (NM_207181.4); short protein forms E621D, E676D, E558D, E620D, E677D.
Identifiers: ClinVar variation 1939787 (VCV001939787.2), dbSNP rs2467118613, ClinGen allele CA348086169.